The following is an entry in ClinVar:

NM_004725.4(BUB3):c.794A>G (p.Asn265Ser)

Gene: BUB3 (BUB3 mitotic checkpoint protein; plus strand). Cytogenetic location: 10q26.13.
Variant type: single nucleotide variant.
Coding change: c.794A>G on transcript NM_004725.4 (MANE Select); coding-DNA position 794, A replaced by G.
Protein change: p.Asn265Ser; replaces asparagine 265 with serine.
Molecular consequence: missense variant.
Genome position (GRCh38, 1-based): chr10:123,162,651, A>G. VCF-style: chr10-123162651-A-G. GRCh37 (hg19) VCF-style: chr10-124922167-A-G.
Other names: c.794A>G, p.Asn265Ser (NM_001007793.3); short protein forms N265S.
Identifiers: ClinVar variation 3483294 (VCV003483294.1).

ClinVar aggregate classification (germline): Uncertain significance (1 of 4 stars; one submission).

Submission:

Ambry Genetics
Classification: Uncertain significance. Last evaluated: 2024-10-01. Review status: criteria provided, single submitter. Criteria: Ambry Variant Classification Scheme 2023. Collection method: clinical testing. Allele origin: germline.
Comment: The p.N265S variant (also known as c.794A>G), located in coding exon 6 of the BUB3 gene, results from an A to G substitution at nucleotide position 794. The asparagine at codon 265 is replaced by serine, an amino acid with highly similar properties. This amino acid position is conserved. In addition, this alteration is predicted to be tolerated by in silico analysis. Based on the available evidence, the clinical significance of this variant remains unclear.